The following is an entry in ClinVar:

ClinVar aggregate classification (germline): Uncertain significance. Review status: criteria provided, multiple submitters, no conflicts (2 of 4 stars). 2 submissions from 2 submitters: Uncertain significance (2). Last evaluated 2024-01-04.

Conditions:
Nephrotic syndrome, IIa 26. Also called: Nephrotic syndrome, type 26. Identifiers: MedGen C5774221, MONDO:0031061, OMIM 620049.

Allele frequency attached by ClinVar (database versions not stated): gnomAD 0.00001; TOPMed 0.00002; ExAC 0.00003.
gnomAD v4.1: 22 of 1,611,162 alleles (0.0014%); highest among the groups gnomAD compares: Admixed American, 0.018%; no homozygotes.

Submissions (2):

Labcorp Genetics (formerly Invitae), Labcorp
Classification: Uncertain significance. Last evaluated: 2024-01-04. Review status: criteria provided, single submitter. Criteria: Invitae Variant Classification Sherloc (09022015). Collection method: clinical testing. Allele origin: germline.
Comment: This sequence change replaces glycine, which is neutral and non-polar, with aspartic acid, which is acidic and polar, at codon 3603 of the LAMA5 protein (p.Gly3603Asp). This variant is present in population databases (rs766004621, gnomAD 0.02%). This variant has not been reported in the literature in individuals affected with LAMA5-related conditions. Advanced modeling of protein sequence and biophysical properties (such as structural, functional, and spatial information, amino acid conservation, physicochemical variation, residue mobility, and thermodynamic stability) performed at Invitae indicates that this missense variant is expected to disrupt LAMA5 protein function with a positive predictive value of 80%. In summary, the available evidence is currently insufficient to determine the role of this variant in disease. Therefore, it has been classified as a Variant of Uncertain Significance.

Clinical Genomics Laboratory, Stanford Medicine
Classification: Uncertain significance for Nephrotic syndrome, IIa 26. Last evaluated: 2022-09-17. Review status: criteria provided, single submitter. Criteria: ACMG Guidelines, 2015. Collection method: clinical testing. Allele origin: germline. Observed: 1 variant allele, 1 heterozygote.

NM_005560.6(LAMA5):c.10808G>A (p.Gly3603Asp)

Gene: LAMA5 (laminin subunit alpha 5; minus strand). Cytogenetic location: 20q13.33.
Variant type: single nucleotide variant.
Coding change: c.10808G>A on transcript NM_005560.6 (MANE Select); coding-DNA position 10808, G replaced by A.
Protein change: p.Gly3603Asp; replaces glycine 3603 with aspartic acid.
Molecular consequence: missense variant.
Genome position (GRCh38, 1-based): chr20:62,310,008, C>T on the plus strand (G>A on the coding strand, the complement: LAMA5 is on the minus strand). VCF-style: chr20-62310008-C-T. GRCh37 (hg19) VCF-style: chr20-60885064-C-T.
Other names: short protein forms G3603D.
Identifiers: ClinVar variation 2907701 (VCV002907701.2), dbSNP rs766004621, ClinGen allele CA9939609.